The following is an entry in ClinVar:

ClinVar aggregate classification (germline): Uncertain significance (1 of 4 stars; one submission).

gnomAD v4.1: 1 of 1,614,206 alleles (0.000062%); highest among the groups gnomAD compares: East Asian, 0.0022%; no homozygotes.

Submission:

GeneDx
Classification: Uncertain significance. Last evaluated: 2025-08-09. Review status: criteria provided, single submitter. Criteria: GeneDx Variant Classification Process June 2021. Collection method: clinical testing. Allele origin: germline.
Comment: Not observed at significant frequency in large population cohorts (gnomAD); In silico analysis supports that this missense variant has a deleterious effect on protein structure/function; Has not been previously published as pathogenic or benign to our knowledge

NM_004370.6(COL12A1):c.2660A>G (p.Tyr887Cys)

Gene: COL12A1 (collagen type XII alpha 1 chain; minus strand). Cytogenetic location: 6q13.
Variant type: single nucleotide variant.
Coding change: c.2660A>G on transcript NM_004370.6 (MANE Select); coding-DNA position 2660, A replaced by G.
Protein change: p.Tyr887Cys; replaces tyrosine 887 with cysteine.
Molecular consequence: missense variant. On other transcripts: intron variant (3).
Genome position (GRCh38, 1-based): chr6:75,175,088, T>C on the plus strand (A>G on the coding strand, the complement: COL12A1 is on the minus strand). VCF-style: chr6-75175088-T-C. GRCh37 (hg19) VCF-style: chr6-75884804-T-C.
Other names: c.2660A>G, p.Tyr887Cys (NM_001424113.1, NM_001424114.1); c.74-22606A>G (NM_001424116.1, NM_080645.3); c.2437+2575A>G (NM_001424115.1); short protein forms Y887C.
Identifiers: ClinVar variation 3390758 (VCV003390758.2).